The following is an entry in ClinVar:

NM_014844.5(TECPR2):c.3640+83C>T

Gene: TECPR2 (tectonin beta-propeller repeat containing 2; plus strand). Cytogenetic location: 14q32.31.
Variant type: single nucleotide variant.
Coding change: c.3640+83C>T on transcript NM_014844.5 (MANE Select); 83 bases into the intron after coding-DNA position 3640, C replaced by T.
Molecular consequence: intron variant.
Genome position (GRCh38, 1-based): chr14:102,452,710, C>T. VCF-style: chr14-102452710-C-T. GRCh37 (hg19) VCF-style: chr14-102919047-C-T.
Other names: c.3640+83C>T (NM_001172631.3).
Identifiers: ClinVar variation 670744 (VCV000670744.2), dbSNP rs2295976, ClinGen allele CA13972169.

ClinVar aggregate classification (germline): Benign. Review status: criteria provided, multiple submitters, no conflicts (2 of 4 stars). 2 submissions from 2 submitters: Benign (2). Last evaluated 2018-06-14.

Allele frequency attached by ClinVar (database versions not stated): 1000 Genomes Project 0.17732; 1000 Genomes Project 30x 0.17739; TOPMed 0.21198; gnomAD 0.21436 and 0.21799.
gnomAD v4.1: 310,249 of 1,138,460 alleles (27%); highest among the groups gnomAD compares: Middle Eastern, 32%; 45,000 homozygotes.

Submissions (2):

GeneDx
Classification: Benign. Last evaluated: 2018-06-14. Review status: criteria provided, single submitter. Criteria: GeneDx Variant Classification (06012015). Collection method: clinical testing. Allele origin: germline. Affected: yes.
Comment: This variant is considered likely benign or benign based on one or more of the following criteria: it is a conservative change, it occurs at a poorly conserved position in the protein, it is predicted to be benign by multiple in silico algorithms, and/or has population frequency not consistent with disease.

Breakthrough Genomics
Classification: Benign. Review status: criteria provided, single submitter. Criteria: ACMG Guidelines, 2015. Collection method: not provided. Allele origin: germline. Inheritance: Autosomal recessive inheritance. Affected: yes.